The following is an entry in ClinVar:

NM_000350.3(ABCA4):c.4128G>A (p.Gln1376=)

Gene: ABCA4 (ATP binding cassette subfamily A member 4; minus strand). Cytogenetic location: 1p22.1.
Variant type: single nucleotide variant.
Coding change: c.4128G>A on transcript NM_000350.3 (MANE Select); coding-DNA position 4128, G replaced by A.
Protein change: p.Gln1376=; no amino-acid change (glutamine 1376 retained).
Molecular consequence: synonymous variant.
Genome position (GRCh38, 1-based): chr1:94,031,778, C>T on the plus strand (G>A on the coding strand, the complement: ABCA4 is on the minus strand). VCF-style: chr1-94031778-C-T. GRCh37 (hg19) VCF-style: chr1-94497334-C-T.
Other names: c.3906G>A, p.Gln1302= (NM_001425324.1).
Identifiers: ClinVar variation 429378 (VCV000429378.13), dbSNP rs1064797113, ClinGen allele CA418825190.
Genomic context (GRCh38, chr1:94,031,778, plus strand): 5'-GGAGGGGAAGGCTGGGAGAGGAGCCACTGAGCTCAGCTAAACACCGACCGACAATAGTAC[C>T]TGCGCCAGGAAGTCCTTGTGGCTGCGGATGGTGTGTTGGAATCTCTTGACCAGCAGCGCC-3'
Protein context (NP_000341.2, residues 1366-1386): TIRSHKDFLA[Gln1376=]IVLPATFVFL

ClinVar aggregate classification (germline): Conflicting classifications of pathogenicity. Review status: criteria provided, conflicting classifications (1 of 4 stars). 4 submissions from 4 submitters: Likely pathogenic (3); Uncertain significance (1). Last evaluated 2024-06-21.

Conditions:
ABCA4-related disorder. Also called: ABCA4-related condition; ABCA4-related disorders. Identifiers: MedGen CN239167.

Submissions (4):

GeneDx
Classification: Likely pathogenic. Last evaluated: 2024-06-21. Review status: criteria provided, single submitter. Criteria: GeneDx Variant Classification Process June 2021. Collection method: clinical testing. Allele origin: germline. Affected: yes.
Comment: RNA studies demonstrate a damaging effect resulting in the in-frame addition of 4 amino acids to the end of exon 27 and failure to produce wildtype transcripts (PMID: 29162642); Not observed at significant frequency in large population cohorts (gnomAD); In silico analysis supports a deleterious effect on splicing; This variant is associated with the following publications: (PMID: 35120629, 28044389, 29162642, 19265867, 36460718, 32278709, 26743751)

Labcorp Genetics (formerly Invitae), Labcorp
Classification: Likely pathogenic. Last evaluated: 2024-02-06. Review status: criteria provided, single submitter. Criteria: Invitae Variant Classification Sherloc (09022015). Collection method: clinical testing. Allele origin: germline.
Comment: This sequence change affects codon 1376 of the ABCA4 mRNA. It is a 'silent' change, meaning that it does not change the encoded amino acid sequence of the ABCA4 protein. RNA analysis indicates that this variant induces altered splicing and likely results in the gain of 4 amino acid residue(s), but is expected to preserve the integrity of the reading-frame. This variant is not present in population databases (gnomAD no frequency). This variant has been observed in individual(s) with Stargardt disease (PMID: 19265867; Invitae). In at least one individual the data is consistent with being in trans (on the opposite chromosome) from a pathogenic variant. ClinVar contains an entry for this variant (Variation ID: 429378). Variants that disrupt the consensus splice site are a relatively common cause of aberrant splicing (PMID: 17576681, 9536098). Studies have shown that this variant results in the activation of a cryptic splice site in exon 27 (PMID: 29162642). In summary, the currently available evidence indicates that the variant is pathogenic, but additional data are needed to prove that conclusively. Therefore, this variant has been classified as Likely Pathogenic.

PreventionGenetics, part of Exact Sciences
Classification: Likely pathogenic for ABCA4-related condition. Last evaluated: 2022-09-26. Review status: criteria provided, single submitter. Criteria: ACMG Guidelines, 2015. Collection method: clinical testing. Allele origin: germline.
Comment: The ABCA4 c.4128G>A variant is not predicted to result in an amino acid change (p.=). While this variant is not predicted to cause an amino acid substitution, this variant affects the last nucleotide of exon 27 and is predicted to abolish this canonical splice site based on available splicing prediction programs (Alamut Visual v2.11). A functional study using a midigene splicing assay confirmed this prediction, finding that this variant leads to 0% correctly spliced mRNA; the authors classified this variant as severe (Sangermano et al. 2018. PubMed ID: 29162642). This variant has been reported in the compound heterozygous state in individuals with Stargardt disease (reported as "Q1376 splice" in Passerini et al. 2010. PubMed ID: 19265867; Dhaenens et al. 2019. ARVO Annual Meeting Abstract). This variant has not been documented in a large population database, indicating this variant is rare. Given the evidence, we interpret c.4128G>A (p.=) as likely pathogenic.

Illumina Laboratory Services, Illumina
Classification: Uncertain significance for ABCA4-Related Disorders. Last evaluated: 2017-04-27. Review status: criteria provided, single submitter. Criteria: ICSL Variant Classification Criteria 13 December 2019. Collection method: clinical testing. Allele origin: germline.

Literature cited by the submitters: PubMed 19265867 (cited by Labcorp Genetics (formerly Invitae), Labcorp); PubMed 17576681 (cited by Labcorp Genetics (formerly Invitae), Labcorp); PubMed 9536098 (cited by Labcorp Genetics (formerly Invitae), Labcorp); PubMed 29162642 (cited by Labcorp Genetics (formerly Invitae), Labcorp).